The following is an entry in ClinVar:

ClinVar aggregate classification (germline): Uncertain significance (1 of 4 stars; one submission).

Allele frequency attached by ClinVar (database versions not stated): ExAC 0.00001; gnomAD exomes 0.00001; gnomAD 0.00002; TOPMed 0.00002.

Submission:

Labcorp Genetics (formerly Invitae), Labcorp
Classification: Uncertain significance. Last evaluated: 2018-04-29. Review status: criteria provided, single submitter. Criteria: Invitae Variant Classification Sherloc (09022015). Collection method: clinical testing. Allele origin: germline.
Comment: Nucleotide substitutions within the consensus splice site are a relatively common cause of aberrant splicing (PMID: 17576681, 9536098). This sequence change falls in intron 12 of the DDX3X gene. It does not directly change the encoded amino acid sequence of the DDX3X protein, but it affects a nucleotide within the consensus splice site of the intron. In summary, the available evidence is currently insufficient to determine the role of this variant in disease. Therefore, it has been classified as a Variant of Uncertain Significance. Algorithms developed to predict the effect of sequence changes on RNA splicing suggest that this variant may disrupt the consensus splice site, but this prediction has not been confirmed by published transcriptional studies. This variant has not been reported in the literature in individuals with DDX3X-related disease. This variant is present in population databases (rs763454948, ExAC 0.01%).

Literature cited by the submitters: PubMed 17576681; PubMed 9536098.

NM_001356.5(DDX3X):c.1315+4A>G

Gene: DDX3X (DEAD-box helicase 3 X-linked; plus strand). Cytogenetic location: Xp11.4.
Variant type: single nucleotide variant.
Coding change: c.1315+4A>G on transcript NM_001356.5 (MANE Select); 4 bases into the intron after coding-DNA position 1315, A replaced by G.
Molecular consequence: intron variant.
Genome position (GRCh38, 1-based): chrX:41,345,552, A>G. VCF-style: chrX-41345552-A-G. GRCh37 (hg19) VCF-style: chrX-41204805-A-G.
Other names: c.1315+4A>G (NM_001193416.3); c.1267+4A>G (NM_001193417.3); c.757+4A>G (NM_001363819.1).
Identifiers: ClinVar variation 1008102 (VCV001008102.6), dbSNP rs763454948, ClinGen allele CA10389611.